The following is an entry in ClinVar:

NM_001379500.1(COL18A1):c.684C>G (p.Asp228Glu)

Gene: COL18A1 (collagen type XVIII alpha 1 chain; plus strand). Cytogenetic location: 21q22.3.
Variant type: single nucleotide variant.
Coding change: c.684C>G on transcript NM_001379500.1 (MANE Select); coding-DNA position 684, C replaced by G.
Protein change: p.Asp228Glu; replaces aspartic acid 228 with glutamic acid.
Molecular consequence: missense variant.
Genome position (GRCh38, 1-based): chr21:45,473,927, C>G. VCF-style: chr21-45473927-C-G. GRCh37 (hg19) VCF-style: chr21-46893841-C-G.
Other names: c.1224C>G, p.Asp408Glu (NM_030582.4); c.1929C>G, p.Asp643Glu (NM_130444.3); short protein forms D643E, D228E, D408E.
Identifiers: ClinVar variation 1347355 (VCV001347355.5), dbSNP rs749795378, ClinGen allele CA10065847.

ClinVar aggregate classification (germline): Uncertain significance (1 of 4 stars; one submission).

Allele frequency attached by ClinVar (database versions not stated): gnomAD exomes below 0.00001; gnomAD 0.00001; ExAC 0.00002; TOPMed 0.00002.
gnomAD v4.1: 3 of 1,606,068 alleles (0.00019%); highest among the groups gnomAD compares: African/African-American, 0.004%; no homozygotes.

Submission:

Labcorp Genetics (formerly Invitae), Labcorp
Classification: Uncertain significance. Last evaluated: 2023-08-17. Review status: criteria provided, single submitter. Criteria: Invitae Variant Classification Sherloc (09022015). Collection method: clinical testing. Allele origin: germline.
Comment: ClinVar contains an entry for this variant (Variation ID: 1347355). In summary, the available evidence is currently insufficient to determine the role of this variant in disease. Therefore, it has been classified as a Variant of Uncertain Significance. Experimental studies and prediction algorithms are not available or were not evaluated, and the functional significance of this variant is currently unknown. This variant has not been reported in the literature in individuals affected with COL18A1-related conditions. The frequency data for this variant in the population databases is considered unreliable, as metrics indicate poor data quality at this position in the gnomAD database. This sequence change replaces aspartic acid, which is acidic and polar, with glutamic acid, which is acidic and polar, at codon 228 of the COL18A1 protein (p.Asp228Glu).